The following is an entry in ClinVar:

NM_000179.3(MSH6):c.2857del (p.Glu953fs)

Gene: MSH6 (mutS homolog 6; plus strand). Cytogenetic location: 2p16.3.
Variant type: Deletion.
Coding change: c.2857del on transcript NM_000179.3 (MANE Select); coding-DNA position 2857, one base deleted (G; older notation c.2857delG).
Protein change: p.Glu953fs; shifts the reading frame from glutamic acid 953.
Molecular consequence: frameshift variant.
Genome position (GRCh38, 1-based): chr2:47,800,840, G deleted; the last of 2 consecutive G bases (chr2:47,800,839-47,800,840); deleting either gives the same sequence. VCF-style (leftmost placement, unchanged base first): chr2-47800838-TG-T. GRCh37 (hg19) VCF-style: chr2-48027977-TG-T.
Other names: c.2467del, p.Glu823fs (NM_001281492.2); c.1951del, p.Glu651fs (NM_001281493.2, NM_001281494.2); c.2953delG, p.Glu985Asnfs (NM_001406795.1, NM_001406802.1); c.2857delG, p.Glu953Asnfs (NM_001406796.1, NM_001406798.1, NM_001406800.1 and 2 more transcripts); c.2560delG, p.Glu854Asnfs (NM_001406797.1, NM_001406801.1, NM_001406805.1 and 10 more transcripts); c.2332delG, p.Glu778Asnfs (NM_001406799.1, NM_001406806.1, NM_001406807.1); c.2779delG, p.Glu927Asnfs (NM_001406804.1); c.1951delG, p.Glu651Asnfs (NM_001406811.1, NM_001406812.1, NM_001406814.1 and 4 more transcripts); and 3 more; short protein forms E651fs, E823fs, E953fs.
Identifiers: ClinVar variation 1796898 (VCV001796898.2), dbSNP rs2530697772, ClinGen allele CA2580068089.

ClinVar aggregate classification (germline): Pathogenic (1 of 4 stars; one submission).

Conditions:
Hereditary cancer-predisposing syndrome. Also called: Tumor predisposition; Hereditary Cancer Syndrome; Neoplastic Syndromes, Hereditary; Hereditary neoplastic syndrome. Identifiers: Orphanet 140162, MedGen C0027672, MeSH D009386, MONDO:0015356.

Submission:

Ambry Genetics
Classification: Pathogenic for Hereditary cancer-predisposing syndrome. Last evaluated: 2019-10-18. Review status: criteria provided, single submitter. Criteria: Ambry Variant Classification Scheme 2023. Collection method: clinical testing. Allele origin: germline.
Comment: The c.2857delG variant, located in coding exon 4 of the MSH6 gene, results from a deletion of one nucleotide at nucleotide position 2857, causing a translational frameshift with a predicted alternate stop codon (p.E953Nfs*3). This alteration is expected to result in loss of function by premature protein truncation or nonsense-mediated mRNA decay. As such, this alteration is interpreted as a disease-causing mutation.